The following is an entry in ClinVar:

ClinVar aggregate classification (germline): Conflicting classifications of pathogenicity. Review status: criteria provided, conflicting classifications (1 of 4 stars). 4 submissions from 4 submitters: Uncertain significance (2); Benign (1); Likely benign (1). Last evaluated 2026-01-05.

Conditions:
Inborn genetic diseases. Identifiers: MedGen C0950123, MeSH D030342.
Charcot-Marie-Tooth disease dominant intermediate C (CMTDIC). Also called: CHARCOT-MARIE-TOOTH NEUROPATHY, DOMINANT INTERMEDIATE C. Identifiers: Orphanet 100045, MedGen C1842237, MONDO:0012012, OMIM 608323.

Allele frequency attached by ClinVar (database versions not stated): TOPMed 0.00023; gnomAD 0.00019 and 0.00020; ESP Exome Variant Server 0.00031.
gnomAD v4.1: 157 of 1,614,036 alleles (0.0097%); highest among the groups gnomAD compares: Admixed American, 0.087%; no homozygotes.

Submissions (4):

Labcorp Genetics (formerly Invitae), Labcorp
Classification: Likely benign for Charcot-Marie-Tooth disease dominant intermediate C. Last evaluated: 2026-01-05. Review status: criteria provided, single submitter. Criteria: Invitae Variant Classification Sherloc (09022015). Collection method: clinical testing. Allele origin: germline.

GeneDx
Classification: Uncertain significance. Last evaluated: 2025-06-17. Review status: criteria provided, single submitter. Criteria: GeneDx Variant Classification Process June 2021. Collection method: clinical testing. Allele origin: germline.
Comment: In silico analysis suggests that this missense variant does not alter protein structure/function; Has not been previously published as pathogenic or benign to our knowledge; This variant is associated with the following publications: (PMID: 16429158)

Ambry Genetics
Classification: Uncertain significance for Inborn genetic diseases. Last evaluated: 2021-04-09. Review status: criteria provided, single submitter. Criteria: Ambry Variant Classification Scheme 2023. Collection method: clinical testing. Allele origin: germline.
Comment: The p.V410M variant (also known as c.1228G>A), located in coding exon 11 of the YARS gene, results from a G to A substitution at nucleotide position 1228. The valine at codon 410 is replaced by methionine, an amino acid with highly similar properties. This amino acid position is well conserved in available vertebrate species. In addition, this alteration is predicted to be tolerated by in silico analysis. Since supporting evidence is limited at this time, the clinical significance of this alteration remains unclear.

Illumina Laboratory Services, Illumina
Classification: Benign for Charcot-Marie-Tooth disease dominant intermediate C. Last evaluated: 2018-01-13. Review status: criteria provided, single submitter. Criteria: ICSL Variant Classification Criteria 13 December 2019. Collection method: clinical testing. Allele origin: germline.
Comment: This variant was observed in the ICSL laboratory as part of a predisposition screen in an ostensibly healthy population. It had not been previously curated by ICSL or reported in the Human Gene Mutation Database (HGMD: prior to June 1st, 2018), and was therefore a candidate for classification through an automated scoring system. Utilizing variant allele frequency, disease prevalence and penetrance estimates, and inheritance mode, an automated score was calculated to assess if this variant is too frequent to cause the disease. Based on the score and internal cut-off values, a variant classified as benign is not then subjected to further curation. The score for this variant resulted in a classification of benign for this disease.

NM_003680.4(YARS1):c.1228G>A (p.Val410Met)

Gene: YARS1 (tyrosyl-tRNA synthetase 1; minus strand). Cytogenetic location: 1p35.1.
Variant type: single nucleotide variant.
Coding change: c.1228G>A on transcript NM_003680.4 (MANE Select); coding-DNA position 1228, G replaced by A.
Protein change: p.Val410Met; replaces valine 410 with methionine.
Molecular consequence: missense variant.
Genome position (GRCh38, 1-based): chr1:32,780,191, C>T on the plus strand (G>A on the coding strand, the complement: YARS1 is on the minus strand). VCF-style: chr1-32780191-C-T. GRCh37 (hg19) VCF-style: chr1-33245792-C-T.
Other names: short protein forms V410M.
Identifiers: ClinVar variation 415914 (VCV000415914.19), dbSNP rs146393022, ClinGen allele CA744948.